The following is an entry in ClinVar:

ClinVar aggregate classification (germline): Uncertain significance. Review status: criteria provided, multiple submitters, no conflicts (2 of 4 stars). 2 submissions from 2 submitters: Uncertain significance (2). Last evaluated 2025-03-05.

Conditions:
Inborn genetic diseases. Identifiers: MedGen C0950123, MeSH D030342.

Allele frequency attached by ClinVar (database versions not stated): gnomAD 0.00001; TOPMed 0.00004; gnomAD exomes 0.00001.
gnomAD v4.1: 5 of 1,613,520 alleles (0.00031%); highest among the groups gnomAD compares: Admixed American, 0.0067%; no homozygotes.

Submissions (2):

Ambry Genetics
Classification: Uncertain significance for Inborn genetic diseases. Last evaluated: 2025-03-05. Review status: criteria provided, single submitter. Criteria: Ambry Variant Classification Scheme 2023. Collection method: clinical testing. Allele origin: germline.

Labcorp Genetics (formerly Invitae), Labcorp
Classification: Uncertain significance. Last evaluated: 2025-01-06. Review status: criteria provided, single submitter. Criteria: Invitae Variant Classification Sherloc (09022015). Collection method: clinical testing. Allele origin: germline.
Comment: This sequence change replaces arginine, which is basic and polar, with glutamine, which is neutral and polar, at codon 3499 of the VPS13D protein (p.Arg3499Gln). This variant is present in population databases (no rsID available, gnomAD 0.006%). This variant has not been reported in the literature in individuals affected with VPS13D-related conditions. ClinVar contains an entry for this variant (Variation ID: 2051102). Invitae Evidence Modeling of protein sequence and biophysical properties (such as structural, functional, and spatial information, amino acid conservation, physicochemical variation, residue mobility, and thermodynamic stability) indicates that this missense variant is not expected to disrupt VPS13D protein function with a negative predictive value of 80%. In summary, the available evidence is currently insufficient to determine the role of this variant in disease. Therefore, it has been classified as a Variant of Uncertain Significance.

NM_015378.4(VPS13D):c.10496G>A (p.Arg3499Gln)

Gene: VPS13D (vacuolar protein sorting 13 homolog D; plus strand). Cytogenetic location: 1p36.22.
Variant type: single nucleotide variant.
Coding change: c.10496G>A on transcript NM_015378.4 (MANE Select); coding-DNA position 10496, G replaced by A.
Protein change: p.Arg3499Gln; replaces arginine 3499 with glutamine.
Molecular consequence: missense variant.
Genome position (GRCh38, 1-based): chr1:12,368,515, G>A. VCF-style: chr1-12368515-G-A. GRCh37 (hg19) VCF-style: chr1-12428570-G-A.
Other names: c.10421G>A, p.Arg3474Gln (NM_018156.4); c.10496G>A (NM_015378.2); short protein forms R3499Q, R3474Q.
Identifiers: ClinVar variation 2051102 (VCV002051102.5), dbSNP rs1164794981, ClinGen allele CA338498167.